The following is an entry in ClinVar:

ClinVar aggregate classification (germline): Uncertain significance. Review status: criteria provided, multiple submitters, no conflicts (2 of 4 stars). 3 submissions from 3 submitters: Uncertain significance (3). Last evaluated 2024-01-08.

Conditions:
Inborn genetic diseases. Identifiers: MedGen C0950123, MeSH D030342.
Combined immunodeficiency due to LRBA deficiency. Also called: Common variable immunodeficiency 8, with autoimmunity. Identifiers: Orphanet 445018, MedGen C3553512, MONDO:0013863, OMIM 614700.

Allele frequency attached by ClinVar (database versions not stated): gnomAD 0.00003 and 0.00004; ExAC 0.00006; gnomAD exomes 0.00007 and 0.00010; ESP Exome Variant Server 0.00008; TOPMed 0.00009.
gnomAD v4.1: 108 of 1,611,786 alleles (0.0067%); highest among the groups gnomAD compares: Admixed American, 0.035%; no homozygotes.

Submissions (3):

Ambry Genetics
Classification: Uncertain significance for Inborn genetic diseases. Last evaluated: 2024-01-08. Review status: criteria provided, single submitter. Criteria: Ambry Variant Classification Scheme 2023. Collection method: clinical testing. Allele origin: germline.

Blueprint Genetics
Classification: Uncertain significance. Last evaluated: 2023-09-09. Review status: criteria provided, single submitter. Criteria: ACMG Guidelines, 2015. Collection method: clinical testing. Allele origin: germline.

Labcorp Genetics (formerly Invitae), Labcorp
Classification: Uncertain significance for Combined immunodeficiency due to LRBA deficiency. Last evaluated: 2022-09-05. Review status: criteria provided, single submitter. Criteria: Invitae Variant Classification Sherloc (09022015). Collection method: clinical testing. Allele origin: germline.
Comment: This sequence change replaces arginine, which is basic and polar, with cysteine, which is neutral and slightly polar, at codon 2608 of the LRBA protein (p.Arg2608Cys). This variant is present in population databases (rs200700287, gnomAD 0.06%). This variant has not been reported in the literature in individuals affected with LRBA-related conditions. ClinVar contains an entry for this variant (Variation ID: 842555). Algorithms developed to predict the effect of missense changes on protein structure and function are either unavailable or do not agree on the potential impact of this missense change (SIFT: "Deleterious"; PolyPhen-2: "Probably Damaging"; Align-GVGD: "Class C0"). In summary, the available evidence is currently insufficient to determine the role of this variant in disease. Therefore, it has been classified as a Variant of Uncertain Significance.

NM_001364905.1(LRBA):c.7789C>T (p.Arg2597Cys)

Gene: LRBA (LPS responsive beige-like anchor protein; minus strand). Cytogenetic location: 4q31.3.
Variant type: single nucleotide variant.
Coding change: c.7789C>T on transcript NM_001364905.1 (MANE Select); coding-DNA position 7789, C replaced by T.
Protein change: p.Arg2597Cys; replaces arginine 2597 with cysteine.
Molecular consequence: missense variant.
Genome position (GRCh38, 1-based): chr4:150,310,289, G>A on the plus strand (C>T on the coding strand, the complement: LRBA is on the minus strand). VCF-style: chr4-150310289-G-A. GRCh37 (hg19) VCF-style: chr4-151231441-G-A.
Other names: c.7789C>T, p.Arg2597Cys (NM_001199282.3); c.7804C>T, p.Arg2602Cys (NM_001367550.1); c.7822C>T, p.Arg2608Cys (NM_006726.5); short protein forms R2597C, R2602C, R2608C.
Identifiers: ClinVar variation 842555 (VCV000842555.6), dbSNP rs200700287, ClinGen allele CA3101529.